The following is an entry in ClinVar:

ClinVar aggregate classification (germline): Benign. Review status: criteria provided, multiple submitters, no conflicts (2 of 4 stars). 2 submissions from 2 submitters: Benign (2). Last evaluated 2018-06-19.

Allele frequency attached by ClinVar (database versions not stated): TOPMed 0.04067; 1000 Genomes Project 0.05292; 1000 Genomes Project 30x 0.05637.
gnomAD v4.1: 54,823 of 1,546,384 alleles (3.5%); highest among the groups gnomAD compares: South Asian, 8.3%; 1,278 homozygotes.

Submissions (2):

GeneDx
Classification: Benign. Last evaluated: 2018-06-19. Review status: criteria provided, single submitter. Criteria: GeneDx Variant Classification (06012015). Collection method: clinical testing. Allele origin: germline. Affected: yes.
Comment: This variant is considered likely benign or benign based on one or more of the following criteria: it is a conservative change, it occurs at a poorly conserved position in the protein, it is predicted to be benign by multiple in silico algorithms, and/or has population frequency not consistent with disease.

Breakthrough Genomics
Classification: Benign. Review status: criteria provided, single submitter. Criteria: ACMG Guidelines, 2015. Collection method: not provided. Allele origin: germline. Inheritance: Autosomal dominant inheritance. Affected: yes.

NM_001127222.2(CACNA1A):c.5840-82C>G

Gene: CACNA1A (calcium voltage-gated channel subunit alpha1 A; minus strand). Cytogenetic location: 19p13.13.
Variant type: single nucleotide variant.
Coding change: c.5840-82C>G on transcript NM_001127222.2 (MANE Select); 82 bases into the intron before coding-DNA position 5840, C replaced by G.
Molecular consequence: intron variant.
Genome position (GRCh38, 1-based): chr19:13,214,415, G>C on the plus strand (C>G on the coding strand, the complement: CACNA1A is on the minus strand). VCF-style: chr19-13214415-G-C. GRCh37 (hg19) VCF-style: chr19-13325229-G-C.
Other names: c.5843-82C>G (NM_001127221.2); c.5849-82C>G (NM_001174080.2); c.5858-82C>G (NM_000068.4, NM_023035.3).
Identifiers: ClinVar variation 677425 (VCV000677425.2), dbSNP rs17846925, ClinGen allele CA305552484.
Genomic context (GRCh38, chr19:13,214,415, plus strand): 5'-GCTCACCAAGGGCAGGCCTCTTTGGGGCCCTTGTCCTGGGTCCCTGTGTATACCAGCCCA[G>C]GCCAACACTCTCCCCAGGCCTCCCCTTTCCCTCCCCCTCCATCTGTCCTGGTGGATTGGA-3'